The following is an entry in ClinVar:

ClinVar aggregate classification (germline): Uncertain significance. Review status: criteria provided, multiple submitters, no conflicts (2 of 4 stars). 3 submissions from 3 submitters: Uncertain significance (3). Last evaluated 2025-12-29.

Conditions:
Inborn genetic diseases. Identifiers: MedGen C0950123, MeSH D030342.
Joubert syndrome. Also called: Familial aplasia of the vermis; CEREBELLOPARENCHYMAL DISORDER IV; JOUBERT-BOLTSHAUSER SYNDROME. Identifiers: Orphanet 475, MedGen C5979921, MONDO:0018772.
Joubert syndrome 3 (JBTS3). Also called: AHI1-related Ciliopathy. Identifiers: Orphanet 220493, MedGen C1837713, MONDO:0012078, OMIM 608629.

Allele frequency attached by ClinVar (database versions not stated): ESP Exome Variant Server 0.00017; gnomAD exomes 0.00001 and 0.00002; ExAC 0.00002; gnomAD 0.00007; TOPMed 0.00009.
gnomAD v4.1: 32 of 1,608,430 alleles (0.002%); highest among the groups gnomAD compares: African/African-American, 0.041%; no homozygotes.

Submissions (3):

Labcorp Genetics (formerly Invitae), Labcorp
Classification: Uncertain significance for Joubert syndrome. Last evaluated: 2025-12-29. Review status: criteria provided, single submitter. Criteria: Invitae Variant Classification Sherloc (09022015). Collection method: clinical testing. Allele origin: germline.
Comment: This sequence change replaces leucine, which is neutral and non-polar, with valine, which is neutral and non-polar, at codon 851 of the AHI1 protein (p.Leu851Val). This variant is present in population databases (rs373971733, gnomAD 0.02%). This variant has not been reported in the literature in individuals affected with AHI1-related conditions. ClinVar contains an entry for this variant (Variation ID: 1060868). Invitae Evidence Modeling of protein sequence and biophysical properties (such as structural, functional, and spatial information, amino acid conservation, physicochemical variation, residue mobility, and thermodynamic stability) indicates that this missense variant is not expected to disrupt AHI1 protein function with a negative predictive value of 95%. In summary, the available evidence is currently insufficient to determine the role of this variant in disease. Therefore, it has been classified as a Variant of Uncertain Significance.

Ambry Genetics
Classification: Uncertain significance for Inborn genetic diseases. Last evaluated: 2025-08-26. Review status: criteria provided, single submitter. Criteria: Ambry Variant Classification Scheme 2023. Collection method: clinical testing. Allele origin: germline.

Fulgent Genetics
Classification: Uncertain significance for Joubert syndrome 3. Last evaluated: 2024-01-10. Review status: criteria provided, single submitter. Criteria: ACMG Guidelines, 2015. Collection method: clinical testing. Allele origin: germline.

NM_001134831.2(AHI1):c.2551T>G (p.Leu851Val)

Gene: AHI1 (Abelson helper integration site 1; minus strand). Cytogenetic location: 6q23.3.
Variant type: single nucleotide variant.
Coding change: c.2551T>G on transcript NM_001134831.2 (MANE Select); coding-DNA position 2551, T replaced by G.
Protein change: p.Leu851Val; replaces leucine 851 with valine.
Molecular consequence: missense variant.
Genome position (GRCh38, 1-based): chr6:135,428,701, A>C on the plus strand (T>G on the coding strand, the complement: AHI1 is on the minus strand). VCF-style: chr6-135428701-A-C. GRCh37 (hg19) VCF-style: chr6-135749839-A-C.
Other names: c.2551T>G, p.Leu851Val (NM_001134830.2, NM_001134832.2, NM_001350503.2 and 2 more transcripts); short protein forms L851V.
Identifiers: ClinVar variation 1060868 (VCV001060868.9), dbSNP rs373971733, ClinGen allele CA4012343.